The following is an entry in ClinVar:

NM_000540.3(RYR1):c.10300C>A (p.Leu3434Met)

Gene: RYR1 (ryanodine receptor 1; plus strand). Cytogenetic location: 19q13.2.
Variant type: single nucleotide variant.
Coding change: c.10300C>A on transcript NM_000540.3 (MANE Select); coding-DNA position 10300, C replaced by A.
Protein change: p.Leu3434Met; replaces leucine 3434 with methionine.
Molecular consequence: missense variant.
Genome position (GRCh38, 1-based): chr19:38,523,068, C>A. VCF-style: chr19-38523068-C-A. GRCh37 (hg19) VCF-style: chr19-39013708-C-A.
Other names: c.10300C>A, p.Leu3434Met (NM_001042723.2); short protein forms L3434M.
Identifiers: ClinVar variation 4780576 (VCV004780576.1).

ClinVar aggregate classification (germline): Uncertain significance (1 of 4 stars; one submission).

Conditions:
RYR1-related disorder. Also called: RYR1-related condition; RYR1-related disorders. Identifiers: MedGen CN239331.

Submission:

Labcorp Genetics (formerly Invitae), Labcorp
Classification: Uncertain significance for RYR1-related disorder. Last evaluated: 2025-11-07. Review status: criteria provided, single submitter. Criteria: Invitae Variant Classification Sherloc (09022015). Collection method: clinical testing. Allele origin: germline.
Comment: This sequence change replaces leucine, which is neutral and non-polar, with methionine, which is neutral and non-polar, at codon 3434 of the RYR1 protein (p.Leu3434Met). This variant is not present in population databases (gnomAD no frequency). This variant has not been reported in the literature in individuals affected with RYR1-related conditions. Invitae Evidence Modeling of protein sequence and biophysical properties (such as structural, functional, and spatial information, amino acid conservation, physicochemical variation, residue mobility, and thermodynamic stability) indicates that this missense variant is not expected to disrupt RYR1 protein function with a negative predictive value of 80%. In summary, the available evidence is currently insufficient to determine the role of this variant in disease. Therefore, it has been classified as a Variant of Uncertain Significance.